The following is an entry in ClinVar:

ClinVar aggregate classification (germline): Pathogenic/Likely pathogenic. Review status: criteria provided, multiple submitters, no conflicts (2 of 4 stars). 2 submissions from 2 submitters: Pathogenic (1); Likely pathogenic (1). Last evaluated 2023-02-10.

Conditions:
Retinitis pigmentosa 25 (RP25). Identifiers: Orphanet 791, MedGen C1864446, MONDO:0011272, OMIM 602772.

Submissions (2):

Baylor Genetics
Classification: Likely pathogenic for Retinitis pigmentosa 25. Last evaluated: 2023-02-10. Review status: criteria provided, single submitter. Criteria: ACMG Guidelines, 2015. Collection method: clinical testing. Allele origin: unknown.

Labcorp Genetics (formerly Invitae), Labcorp
Classification: Pathogenic. Last evaluated: 2022-03-09. Review status: criteria provided, single submitter. Criteria: Invitae Variant Classification Sherloc (09022015). Collection method: clinical testing. Allele origin: germline.
Comment: This variant has not been reported in the literature in individuals affected with EYS-related conditions. For these reasons, this variant has been classified as Pathogenic. This variant is present in population databases (no rsID available, gnomAD 0.01%). This sequence change creates a premature translational stop signal (p.Leu1666Tyrfs*13) in the EYS gene. It is expected to result in an absent or disrupted protein product. Loss-of-function variants in EYS are known to be pathogenic (PMID: 18836446, 20333770).

Literature cited by the submitters: PubMed 18836446 (cited by Labcorp Genetics (formerly Invitae), Labcorp); PubMed 20333770 (cited by Labcorp Genetics (formerly Invitae), Labcorp).

NM_001142800.2(EYS):c.4997del (p.Leu1666fs)

Gene: EYS (EGF-like photoreceptor maintenance factor; minus strand). Cytogenetic location: 6q12.
Variant type: Deletion.
Coding change: c.4997del on transcript NM_001142800.2 (MANE Select); coding-DNA position 4997, one base deleted (T; older notation c.4997delT).
Protein change: p.Leu1666fs; shifts the reading frame from leucine 1666.
Molecular consequence: frameshift variant.
Genome position (GRCh38, 1-based): chr6:64,590,870, A deleted on the plus strand (T on the coding strand, the reverse complement: EYS is on the minus strand); the first of 3 consecutive A bases (chr6:64,590,870-64,590,872); deleting any one gives the same sequence. VCF-style (leftmost placement, unchanged base first): chr6-64590869-TA-T. GRCh37 (hg19) VCF-style: chr6-65300762-TA-T.
Other names: c.4997del, p.Leu1666fs (NM_001292009.2); short protein forms L1666fs.
Identifiers: ClinVar variation 2035819 (VCV002035819.5), dbSNP rs1422891600, ClinGen allele CA568119126.